The following is an entry in ClinVar:

ClinVar aggregate classification (germline): Conflicting classifications of pathogenicity. Review status: criteria provided, conflicting classifications (1 of 4 stars). 3 submissions from 3 submitters: Likely pathogenic (1); Uncertain significance (2). Last evaluated 2026-04-01.

Conditions:
Hereditary cancer-predisposing syndrome. Also called: Neoplastic Syndromes, Hereditary; Hereditary Cancer Syndrome; Tumor predisposition; Hereditary neoplastic syndrome. Identifiers: Orphanet 140162, MedGen C0027672, MeSH D009386, MONDO:0015356.
Ataxia-telangiectasia syndrome (AT). Also called: Ataxia-telangiectasia; ATAXIA-TELANGIECTASIA, COMPLEMENTATION GROUP A; ATAXIA-TELANGIECTASIA, FRESNO VARIANT; Cerebello-oculocutaneous telangiectasia; Immunodeficiency with ataxia telangiectasia; Ataxia-telangiectasia, complementation group D. Identifiers: Orphanet 100, MedGen C0004135, MONDO:0008840, OMIM 208900.

Submissions (3):

Ambry Genetics
Classification: Likely pathogenic for Hereditary cancer-predisposing syndrome. Last evaluated: 2026-04-01. Review status: criteria provided, single submitter. Criteria: Ambry Variant Classification Scheme 2023. Collection method: clinical testing. Allele origin: germline.
Comment: The c.3993G>A variant (also known as p.Q1331Q), located in coding exon 25 of the ATM gene. This variant results from a G to A substitution at nucleotide position 3993. This nucleotide substitution does not change the amino acid at codon 1331. However, this change occurs in the last base pair of coding exon 25, which makes it likely to have some effect on normal mRNA splicing. In silico splice site analysis predicts that this alteration may result in the creation or strengthening of a novel splice donor site. RNA studies have demonstrated that this variant results in abnormal splicing in the set of samples tested (Ambry internal data; Internal Bueno-Mart&iacute;nez E et al. J Pathol, 2022 Sep;258:83-101). This nucleotide position is highly conserved in available vertebrate species. Another alteration impacting the same donor site (c.3993+1G>A), has been shown to have a similar impact on splicing (Ambry internal data) and has has been described in several ataxia-telangiectasia families (Laake K et al. Hum. Mutat. 2000; 16:232-46; Mitui M et al. Hum. Mutat. 2003; 22:43-50). This variant is considered to be rare based on population cohorts in the Genome Aggregation Database (gnomAD). Based on the majority of available evidence to date, this variant is likely to be pathogenic.

GeneDx
Classification: Uncertain significance. Last evaluated: 2024-01-26. Review status: criteria provided, single submitter. Criteria: GeneDx Variant Classification Process June 2021. Collection method: clinical testing. Allele origin: germline. Affected: yes.
Comment: Not observed at significant frequency in large population cohorts (gnomAD); In silico analysis suggests this variant may impact gene splicing; RNA studies demonstrate a damaging effect: aberrant splicing, with the majority of transcripts in-frame (PMID: 35716007); This variant is associated with the following publications: (PMID: 35716007)

Labcorp Genetics (formerly Invitae), Labcorp
Classification: Uncertain significance for Ataxia-telangiectasia syndrome. Last evaluated: 2022-10-10. Review status: criteria provided, single submitter. Criteria: Invitae Variant Classification Sherloc (09022015). Collection method: clinical testing. Allele origin: germline.
Comment: This sequence change affects codon 1331 of the ATM mRNA. It is a 'silent' change, meaning that it does not change the encoded amino acid sequence of the ATM protein. This variant also falls at the last nucleotide of exon 26, which is part of the consensus splice site for this exon. This variant is not present in population databases (gnomAD no frequency). This variant has not been reported in the literature in individuals affected with ATM-related conditions. ClinVar contains an entry for this variant (Variation ID: 216207). Variants that disrupt the consensus splice site are a relatively common cause of aberrant splicing (PMID: 17576681, 9536098). Algorithms developed to predict the effect of sequence changes on RNA splicing suggest that this variant may create or strengthen a splice site. In summary, the available evidence is currently insufficient to determine the role of this variant in disease. Therefore, it has been classified as a Variant of Uncertain Significance.

Literature cited by the submitters: PubMed 35716007 (cited by Ambry Genetics); PubMed 17576681 (cited by Labcorp Genetics (formerly Invitae), Labcorp); PubMed 9536098 (cited by Labcorp Genetics (formerly Invitae), Labcorp).

NM_000051.4(ATM):c.3993G>A (p.Gln1331=)

Gene: ATM (ATM serine/threonine kinase; plus strand). Cytogenetic location: 11q22.3.
Variant type: single nucleotide variant.
Coding change: c.3993G>A on transcript NM_000051.4 (MANE Select); coding-DNA position 3993, G replaced by A.
Protein change: p.Gln1331=; no amino-acid change (glutamine 1331 retained).
Molecular consequence: synonymous variant.
Genome position (GRCh38, 1-based): chr11:108,284,473, G>A. VCF-style: chr11-108284473-G-A. GRCh37 (hg19) VCF-style: chr11-108155200-G-A.
Other names: c.3993G>A, p.Gln1331= (NM_001351834.2).
Identifiers: ClinVar variation 216207 (VCV000216207.10), dbSNP rs863224566, ClinGen allele CA336624.
Genomic context (GRCh38, chr11:108,284,473, plus strand): 5'-AAGAGAGACTGCTACCAAGGTCTATGATATGCTTAAAAGTGAAAACTTATTGGGAAAACA[G>A]GTATGGCTTCAATTTTTATGTACTTTTCATTCCCTGAATGATATGAGATATAACCTTTAA-3'
Protein context (NP_000042.3, residues 1321-1341): MLKSENLLGK[Gln1331=]IDHLFISNLP